The following is an entry in ClinVar:

NM_003489.4(NRIP1):c.501T>G (p.Asp167Glu)

Gene: NRIP1 (nuclear receptor interacting protein 1; minus strand). Cytogenetic location: 21q11.2.
Variant type: single nucleotide variant.
Coding change: c.501T>G on transcript NM_003489.4 (MANE Select); coding-DNA position 501, T replaced by G.
Protein change: p.Asp167Glu; replaces aspartic acid 167 with glutamic acid.
Molecular consequence: missense variant.
Genome position (GRCh38, 1-based): chr21:14,967,692, A>C on the plus strand (T>G on the coding strand, the complement: NRIP1 is on the minus strand). VCF-style: chr21-14967692-A-C. GRCh37 (hg19) VCF-style: chr21-16340013-A-C.
Other names: c.501T>G, p.Asp167Glu (NM_001439275.1, NM_001439276.1, NM_001439277.1 and 10 more transcripts); short protein forms D167E.
Identifiers: ClinVar variation 4626450 (VCV004626450.2).
Genomic context (GRCh38, chr21:14,967,692, plus strand): 5'-AGTTTTTAAGTGACTTGATGCAACACCATAGCACCTTAAATCCTTCTCCACTTTTAAAGA[A>C]TCATGACTGAGGGCATATCCTTGCTCCTTGAGGCTCTGCCTGATTTGTTGTGACAGAGCA-3'
Protein context (NP_003480.2, residues 157-177): LKEQGYALSH[Asp167Glu]SLKVEKDLRC

ClinVar aggregate classification (germline): Uncertain significance. Review status: criteria provided, multiple submitters, no conflicts (2 of 4 stars). 2 submissions from 2 submitters: Uncertain significance (2). Last evaluated 2025-10-15.

Conditions:
Inborn genetic diseases. Identifiers: MedGen C0950123, MeSH D030342.

gnomAD v4.1: 27 of 1,614,028 alleles (0.0017%); highest among the groups gnomAD compares: Non-Finnish European, 0.002%; 1 homozygote.

Submissions (2):

Ambry Genetics
Classification: Uncertain significance for Inborn genetic diseases. Last evaluated: 2025-10-15. Review status: criteria provided, single submitter. Criteria: Ambry Variant Classification Scheme 2023. Collection method: clinical testing. Allele origin: germline.

Labcorp Genetics (formerly Invitae), Labcorp
Classification: Uncertain significance. Last evaluated: 2025-07-05. Review status: criteria provided, single submitter. Criteria: Invitae Variant Classification Sherloc (09022015). Collection method: clinical testing. Allele origin: germline.
Comment: This sequence change replaces aspartic acid, which is acidic and polar, with glutamic acid, which is acidic and polar, at codon 167 of the NRIP1 protein (p.Asp167Glu). This variant is present in population databases (no rsID available, gnomAD 0.004%). This variant has not been reported in the literature in individuals affected with NRIP1-related conditions. An algorithm developed to predict the effect of missense changes on protein structure and function outputs the following: PolyPhen-2: "Benign". The glutamic acid amino acid residue is found in multiple mammalian species, which suggests that this missense change does not adversely affect protein function. In summary, the available evidence is currently insufficient to determine the role of this variant in disease. Therefore, it has been classified as a Variant of Uncertain Significance.